The following is an entry in ClinVar:

NM_004082.5(DCTN1):c.3196+3G>C

Gene: DCTN1 (dynactin subunit 1; minus strand). Cytogenetic location: 2p13.1.
Variant type: single nucleotide variant.
Coding change: c.3196+3G>C on transcript NM_004082.5 (MANE Select); 3 bases into the intron after coding-DNA position 3196, G replaced by C.
Molecular consequence: intron variant.
Genome position (GRCh38, 1-based): chr2:74,365,072, C>G on the plus strand (G>C on the coding strand, the complement: DCTN1 is on the minus strand). VCF-style: chr2-74365072-C-G. GRCh37 (hg19) VCF-style: chr2-74592199-C-G.
Other names: c.3085+3G>C (NM_001190836.2); c.3127+3G>C (NM_001378992.1); c.3145+3G>C (NM_001378991.1); c.3136+3G>C (NM_001135040.3); c.3175+3G>C (NM_001190837.2); c.2794+3G>C (NM_001135041.3, NM_023019.4).
Identifiers: ClinVar variation 3772176 (VCV003772176.13).
Genomic context (GRCh38, chr2:74,365,072, plus strand): 5'-GGCCAAGGACAGGAGAGAAGACAATCTCCTCTGTGCTAGTGCTGCCTATTCCACAGTACT[C>G]ACCACCAGCAATGCCAGAGACCAGAGTAGCAATGCCTGAAGGAGGAGGGCCCCGGAGTCC-3'

ClinVar aggregate classification (germline): Uncertain significance (1 of 4 stars; one submission).

Submission:

CeGaT Center for Human Genetics Tuebingen
Classification: Uncertain significance. Last evaluated: 2025-01-01. Review status: criteria provided, single submitter. Criteria: CeGaT Center For Human Genetics Tuebingen Variant Classification Criteria Version 2. Collection method: clinical testing. Allele origin: germline. Affected: yes. Observed: 1 variant allele.
Comment: DCTN1: PM2, BP4